The following is an entry in ClinVar:

ClinVar aggregate classification (germline): Uncertain significance (1 of 4 stars; one submission).

Conditions:
MAF-related disorder. Also called: MAF-related condition.

Submission:

PreventionGenetics, part of Exact Sciences
Classification: Uncertain significance for MAF-related condition. Last evaluated: 2025-05-21. Review status: criteria provided, single submitter. Criteria: ACMG Guidelines, 2015. Collection method: clinical testing. Allele origin: germline.
Comment: The MAF c.94G>C variant is predicted to result in the amino acid substitution p.Val32Leu. To our knowledge, this variant has not been reported in the literature or in a large population database (gnomAD), indicating this variant is rare. Although this variant may be pathogenic, at this time, the clinical significance of this variant is uncertain due to the absence of conclusive functional and genetic evidence.

NM_005360.5(MAF):c.94G>C (p.Val32Leu)

Gene: MAF (MAF bZIP transcription factor; minus strand). Cytogenetic location: 16q23.2.
Variant type: single nucleotide variant.
Coding change: c.94G>C on transcript NM_005360.5 (MANE Select); coding-DNA position 94, G replaced by C.
Protein change: p.Val32Leu; replaces valine 32 with leucine.
Molecular consequence: missense variant.
Genome position (GRCh38, 1-based): chr16:79,599,809, C>G on the plus strand (G>C on the coding strand, the complement: MAF is on the minus strand). VCF-style: chr16-79599809-C-G. GRCh37 (hg19) VCF-style: chr16-79633706-C-G.
Other names: c.94G>C, p.Val32Leu (NM_001031804.3); short protein forms V32L.
Identifiers: ClinVar variation 4997551 (VCV004997551.1).